The following is an entry in ClinVar:

ClinVar aggregate classification (germline): Uncertain significance. Review status: criteria provided, multiple submitters, no conflicts (2 of 4 stars). 2 submissions from 2 submitters: Uncertain significance (2). Last evaluated 2026-01-27.

Conditions:
Inborn genetic diseases. Identifiers: MedGen C0950123, MeSH D030342.

Allele frequency attached by ClinVar (database versions not stated): gnomAD 0.00001 and 0.00002; gnomAD exomes 0.00001 and 0.00002; ExAC 0.00002; TOPMed 0.00004; 1000 Genomes Project 30x 0.00016; 1000 Genomes Project 0.00020.
gnomAD v4.1: 27 of 1,614,180 alleles (0.0017%); highest among the groups gnomAD compares: Admixed American, 0.01%; no homozygotes.

Submissions (2):

Labcorp Genetics (formerly Invitae), Labcorp
Classification: Uncertain significance. Last evaluated: 2026-01-27. Review status: criteria provided, single submitter. Criteria: Invitae Variant Classification Sherloc (09022015). Collection method: clinical testing. Allele origin: germline.
Comment: This sequence change replaces histidine, which is basic and polar, with tyrosine, which is neutral and polar, at codon 44 of the KCNV2 protein (p.His44Tyr). This variant is present in population databases (rs527441501, gnomAD 0.006%). This variant has not been reported in the literature in individuals affected with KCNV2-related conditions. ClinVar contains an entry for this variant (Variation ID: 1389375). Invitae Evidence Modeling of protein sequence and biophysical properties (such as structural, functional, and spatial information, amino acid conservation, physicochemical variation, residue mobility, and thermodynamic stability) indicates that this missense variant is not expected to disrupt KCNV2 protein function with a negative predictive value of 95%. In summary, the available evidence is currently insufficient to determine the role of this variant in disease. Therefore, it has been classified as a Variant of Uncertain Significance.

Ambry Genetics
Classification: Uncertain significance for Inborn genetic diseases. Last evaluated: 2023-07-12. Review status: criteria provided, single submitter. Criteria: Ambry Variant Classification Scheme 2023. Collection method: clinical testing. Allele origin: germline.

NM_133497.4(KCNV2):c.130C>T (p.His44Tyr)

Gene: KCNV2 (potassium voltage-gated channel modifier subfamily V member 2; plus strand). Cytogenetic location: 9p24.2.
Variant type: single nucleotide variant.
Coding change: c.130C>T on transcript NM_133497.4 (MANE Select); coding-DNA position 130, C replaced by T.
Protein change: p.His44Tyr; replaces histidine 44 with tyrosine.
Molecular consequence: missense variant.
Genome position (GRCh38, 1-based): chr9:2,717,869, C>T. VCF-style: chr9-2717869-C-T. GRCh37 (hg19) VCF-style: chr9-2717869-C-T.
Other names: c.130C>T (NM_133497.3); short protein forms H44Y.
Identifiers: ClinVar variation 1389375 (VCV001389375.7), dbSNP rs527441501, ClinGen allele CA4965322.